The following is an entry in ClinVar:

NC_000001.10:g.(?_236902582)_(237205889_?)dup

Genes: ACTN2 (actinin alpha 2; plus strand), MT1HL1 (metallothionein 1H like 1; minus strand), MTR (5-methyltetrahydrofolate-homocysteine methyltransferase; plus strand), RYR2 (ryanodine receptor 2; plus strand). Cytogenetic location: 1q43.
Variant type: Duplication.
Identifiers: ClinVar variation 463531 (VCV000463531.4).

ClinVar aggregate classification (germline): Uncertain significance (1 of 4 stars; one submission).

Conditions:
Catecholaminergic polymorphic ventricular tachycardia (CVPT). Also called: Catecholamine-induced polymorphic ventricular tachycardia. Identifiers: Orphanet 3286, MedGen C5574922, MONDO:0017990.

Submission:

Labcorp Genetics (formerly Invitae), Labcorp
Classification: Uncertain significance for Catecholaminergic polymorphic ventricular tachycardia. Last evaluated: 2019-03-12. Review status: criteria provided, single submitter. Criteria: Invitae Variant Classification Sherloc (09022015). Collection method: clinical testing. Allele origin: germline.
Comment: This variant results in a copy number gain of the genomic region encompassing exon 1 of the RYR2 gene. The 5' end of this event is unknown as it extends beyond the assayed region for this gene and therefore may encompass additional genes. The 3' boundary is likely confined to intron 1 of the RYR2 gene. As the precise location of this event is unknown, it may be in tandem or it may be located elsewhere in the genome. This variant has not been reported in the literature in individuals with RYR2-related disease. In summary, the available evidence is currently insufficient to determine the role of this variant in disease. Therefore, it has been classified as a Variant of Uncertain Significance.